The following is an entry in ClinVar:

ClinVar aggregate classification (germline): Likely benign. Review status: criteria provided, multiple submitters, no conflicts (2 of 4 stars). 3 submissions from 3 submitters: Likely benign (2). 1 of the submissions does not count toward it. Last evaluated 2026-01-28.

Conditions:
AMER1-related disorder. Also called: AMER1-related condition.

Allele frequency attached by ClinVar (database versions not stated): gnomAD exomes below 0.00001; gnomAD 0.00001; TOPMed 0.00002.

Submissions (3):

Women's Health and Genetics/Laboratory Corporation of America, LabCorp
Classification: Likely benign. Last evaluated: 2026-01-28. Review status: criteria provided, single submitter. Criteria: LabCorp Variant Classification Summary - May 2015. Collection method: clinical testing. Allele origin: germline.

Labcorp Genetics (formerly Invitae), Labcorp
Classification: Likely benign. Last evaluated: 2025-11-18. Review status: criteria provided, single submitter. Criteria: Invitae Variant Classification Sherloc (09022015). Collection method: clinical testing. Allele origin: germline.

PreventionGenetics, part of Exact Sciences
Classification: Likely benign for AMER1-related condition. Last evaluated: 2019-12-18. Review status: no assertion criteria provided. Collection method: clinical testing. Allele origin: germline. Not counted in ClinVar's aggregate classification.
Comment: This variant is classified as likely benign based on ACMG/AMP sequence variant interpretation guidelines (Richards et al. 2015 PMID: 25741868, with internal and published modifications).

NM_152424.4(AMER1):c.339A>G (p.Gly113=)

Gene: AMER1 (APC membrane recruitment protein 1; minus strand). Cytogenetic location: Xq11.2.
Variant type: single nucleotide variant.
Coding change: c.339A>G on transcript NM_152424.4 (MANE Select); coding-DNA position 339, A replaced by G.
Protein change: p.Gly113=; no amino-acid change (glycine 113 retained).
Molecular consequence: synonymous variant.
Genome position (GRCh38, 1-based): chrX:64,192,948, T>C on the plus strand (A>G on the coding strand, the complement: AMER1 is on the minus strand). VCF-style: chrX-64192948-T-C. GRCh37 (hg19) VCF-style: chrX-63412828-T-C.
Other names: c.339A>G (NM_152424.3).
Identifiers: ClinVar variation 1936730 (VCV001936730.8), dbSNP rs956997032, ClinGen allele CA329958083.